The following is an entry in ClinVar:

ClinVar aggregate classification (germline): Uncertain significance. Review status: criteria provided, multiple submitters, no conflicts (2 of 4 stars). 7 submissions from 7 submitters: Uncertain significance (7). Last evaluated 2025-12-19.

Conditions:
TTN-related disorder. Also called: TTN-related condition; TTN-related disease; TTN-related disorders.
Cardiovascular phenotype. Identifiers: MedGen CN230736.
Dilated cardiomyopathy 1G (CMD1G). Identifiers: Orphanet 154, MedGen C1858763, MONDO:0011400, OMIM 604145.
Autosomal recessive limb-girdle muscular dystrophy type 2J (LGMDR10). Also called: Limb-girdle muscular dystrophy, type 2J; MUSCULAR DYSTROPHY, LIMB-GIRDLE, AUTOSOMAL RECESSIVE 10. Identifiers: Orphanet 140922, MedGen C1837342, MONDO:0012127, OMIM 608807.
Tibial muscular dystrophy (TMD). Also called: Udd Distal Myopathy – Tibial Muscular Dystrophy; UDD MYOPATHY; Tibial muscular dystrophy, tardive. Identifiers: Orphanet 609, MedGen C1838244, MONDO:0010870, OMIM 600334.
Myopathy, myofibrillar, 9, with early respiratory failure (MFM9). Also called: Hereditary myopathy with early respiratory failure; EDSTROM MYOPATHY; MYOPATHY, PROXIMAL, WITH EARLY RESPIRATORY MUSCLE INVOLVEMENT; Myopathy, distal, with early respiratory failure, autosomal dominant. Identifiers: Orphanet 178464, Orphanet 34521, MedGen C1863599, MONDO:0011362, OMIM 603689.
Hypertrophic cardiomyopathy 9. Also called: Familial hypertrophic cardiomyopathy 9. Identifiers: MedGen C1861065, MONDO:0013412, OMIM 613765.
Early-onset myopathy with fatal cardiomyopathy (CMYO5). Also called: CONGENITAL MYOPATHY 5 WITH CARDIOMYOPATHY; Salih Myopathy. Identifiers: Orphanet 289377, MedGen C2673677, MONDO:0012714, OMIM 611705. Disease mechanism: loss of function.

Allele frequency attached by ClinVar (database versions not stated): ExAC 0.00002; gnomAD exomes 0.00002; TOPMed 0.00003; gnomAD 0.00004 and 0.00005.
gnomAD v4.1: 60 of 1,613,842 alleles (0.0037%); highest among the groups gnomAD compares: Middle Eastern, 0.016%; no homozygotes.

Submissions (7):

PreventionGenetics, part of Exact Sciences
Classification: Uncertain significance for TTN-related condition. Last evaluated: 2025-12-19. Review status: criteria provided, single submitter. Criteria: ACMG Guidelines, 2015. Collection method: clinical testing. Allele origin: germline.
Comment: The TTN c.4321C>T variant is predicted to result in the amino acid substitution p.Arg1441Cys. This variant has been reported in an individual from an exome sequencing cohort where clinical details were not provided (Supplemental Table 3, Ng et al. 2013. PubMed ID: 23861362). This variant is reported in 0.0040% of alleles in individuals of African descent in gnomAD. At this time, the clinical significance of this variant is uncertain due to the absence of conclusive functional and genetic evidence.

Blueprint Genetics
Classification: Uncertain significance. Last evaluated: 2024-04-17. Review status: criteria provided, single submitter. Criteria: ACMG Guidelines, 2015. Collection method: clinical testing. Allele origin: germline.

Fulgent Genetics
Classification: Uncertain significance for Tibial muscular dystrophy; Myopathy, myofibrillar, 9, with early respiratory failure; Dilated cardiomyopathy 1G; Autosomal recessive limb-girdle muscular dystrophy type 2J; Early-onset myopathy with fatal cardiomyopathy; Hypertrophic cardiomyopathy 9. Last evaluated: 2021-08-13. Review status: criteria provided, single submitter. Criteria: ACMG Guidelines, 2015. Collection method: clinical testing. Allele origin: unknown.

Revvity Omics, Revvity
Classification: Uncertain significance. Last evaluated: 2021-06-04. Review status: criteria provided, single submitter. Criteria: ACMG Guidelines, 2015. Collection method: clinical testing. Allele origin: germline.

Ambry Genetics
Classification: Uncertain significance for Cardiovascular phenotype. Last evaluated: 2018-02-28. Review status: criteria provided, single submitter. Criteria: Ambry Variant Classification Scheme 2023. Collection method: clinical testing. Allele origin: germline.
Comment: The p.R1395C variant (also known as c.4183C>T), located in coding exon 23 of the TTN gene, results from a C to T substitution at nucleotide position 4183. The arginine at codon 1395 is replaced by cysteine, an amino acid with highly dissimilar properties. This alteration has been reported as a secondary cardiac variant in an exome cohort (reported as p.R1441C (c.4321C>T)) (Ng D et al. Circ Cardiovasc Genet, 2013 Aug;6:337-46). This amino acid position is highly conserved in available vertebrate species. In addition, the in silico prediction for this alteration is inconclusive. Since supporting evidence is limited at this time, the clinical significance of this alteration remains unclear.

Labcorp Genetics (formerly Invitae), Labcorp
Classification: Uncertain significance for Dilated cardiomyopathy 1G; Autosomal recessive limb-girdle muscular dystrophy type 2J. Last evaluated: 2017-11-28. Review status: criteria provided, single submitter. Criteria: Invitae Variant Classification Sherloc (09022015). Collection method: clinical testing. Allele origin: germline.

Biesecker Lab/Clinical Genomics Section, National Institutes of Health
Classification: Uncertain significance. Last evaluated: 2013-06-24. Review status: criteria provided, single submitter. Criteria: Ng et al. (Circ Cardiovasc Genet. 2013). Collection method: research. Allele origin: unknown. Observed: 1 variant allele. Study: ClinSeq.
Comment: The study set was not selected for affection status in relation to any cancer. Pathogenicity categories were based on literature curation. See Pubmed ID:23861362 for details.

Medical sequencing

Literature cited by the submitters: PubMed 23861362 (cited by Ambry Genetics).

NM_001267550.2(TTN):c.4321C>T (p.Arg1441Cys)

Genes: TTN (titin; minus strand), LOC101927055 (uncharacterized LOC101927055; plus strand). Cytogenetic location: 2q31.2.
Variant type: single nucleotide variant.
Coding change: c.4321C>T on transcript NM_001267550.2 (MANE Select); coding-DNA position 4321, C replaced by T.
Protein change: p.Arg1441Cys; replaces arginine 1441 with cysteine.
Molecular consequence: missense variant. On other transcripts: non-coding transcript variant (1).
Genome position (GRCh38, 1-based): chr2:178,777,863, G>A on the plus strand (C>T on the coding strand, the complement: TTN is on the minus strand). VCF-style: chr2-178777863-G-A. GRCh37 (hg19) VCF-style: chr2-179642590-G-A.
Other names: c.4321C>T, p.Arg1441Cys (NM_133378.4, NM_001256850.1, NM_133379.5); c.4183C>T, p.Arg1395Cys (NM_003319.4, NM_133432.3, NM_133437.4); short protein forms R1441C, R1395C.
Identifiers: ClinVar variation 192085 (VCV000192085.11), dbSNP rs146241078, ClinGen allele CA238294.
Genomic context (GRCh38, chr2:178,777,863, plus strand): 5'-ACACAAAGACTGGTTTATATAGTCTCTCAAGTTGTGACTCATCTGTCTCCTCCAGCCTAC[G>A]TCCAGGGGACATTCTTGCAGGGGACATCCGTGCAGGAGACATCCTTGCAGGTGACATCCG-3'
Protein context (NP_001254479.2, residues 1431-1451): RMSPARMSPG[Arg1441Cys]RLEETDESQL